The following is an entry in ClinVar:

ClinVar aggregate classification (germline): Likely benign (0 of 4 stars; one submission).

Conditions:
PLXNA4-related disorder. Also called: PLXNA4-related condition.

Submission:

PreventionGenetics, part of Exact Sciences
Classification: Likely benign for PLXNA4-related condition. Last evaluated: 2021-07-14. Review status: no assertion criteria provided. Collection method: clinical testing. Allele origin: germline.
Comment: This variant is classified as likely benign based on ACMG/AMP sequence variant interpretation guidelines (Richards et al. 2015 PMID: 25741868, with internal and published modifications).

NM_020911.2(PLXNA4):c.2670C>A (p.Ile890=)

Gene: PLXNA4 (plexin A4; minus strand). Cytogenetic location: 7q32.3.
Variant type: single nucleotide variant.
Coding change: c.2670C>A on transcript NM_020911.2 (MANE Select); coding-DNA position 2670, C replaced by A.
Protein change: p.Ile890=; no amino-acid change (isoleucine 890 retained).
Molecular consequence: synonymous variant.
Genome position (GRCh38, 1-based): chr7:132,198,553, G>T on the plus strand (C>A on the coding strand, the complement: PLXNA4 is on the minus strand). VCF-style: chr7-132198553-G-T. GRCh37 (hg19) VCF-style: chr7-131883312-G-T.
Other names: c.2670C>A, p.Ile890= (NM_001393897.1).
Identifiers: ClinVar variation 3357912 (VCV003357912.1).